The following is an entry in ClinVar:

NM_004174.4(SLC9A3):c.1745del (p.Ser582fs)

Genes: SLC9A3-AS1 (SLC9A3 antisense RNA 1; plus strand), SLC9A3 (solute carrier family 9 member A3). Cytogenetic location: 5p15.33.
Variant type: Deletion.
Coding change: c.1745del on transcript NM_004174.4 (MANE Select); coding-DNA position 1745, one base deleted.
Protein change: p.Ser582fs; shifts the reading frame from serine 582.
Molecular consequence: frameshift variant.
Genome position: GRCh38 VCF-style: chr5-477346-AG-A. GRCh37 (hg19) VCF-style: chr5-477461-AG-A.
Other names: c.1718del, p.Ser573fs (NM_001284351.3); short protein forms S573fs, S582fs.
Identifiers: ClinVar variation 224598 (VCV000224598.3), dbSNP rs869320692, ClinGen allele CA358860.

ClinVar aggregate classification (germline): Pathogenic. Review status: criteria provided, single submitter (1 of 4 stars). 2 submissions from 2 submitters: Pathogenic (1). 1 of the submissions does not count toward it. Last evaluated 2024-07-05.

Conditions:
Congenital secretory sodium diarrhea 8. Identifiers: Orphanet 103908, MedGen C5441928, MONDO:0014808, OMIM 616868.

Submissions (2):

Aleixo Muise Laboratory, Hospital For Sick Children
Classification: Pathogenic for Congenital secretory sodium diarrhea 8. Last evaluated: 2024-07-05. Review status: criteria provided, single submitter. Criteria: ACMG Guidelines, 2015. Collection method: research. Allele origin: inherited. Affected: yes. Observed: 1 variant allele.
Comment: PVS1;PS1;PM2;PM3;PP3;PP4

OMIM
Classification: Pathogenic for DIARRHEA 8, SECRETORY SODIUM, CONGENITAL. Last evaluated: 2016-10-06. Review status: no assertion criteria provided. Collection method: literature only. Allele origin: germline. Not counted in ClinVar's aggregate classification.

Literature cited by the submitters: PubMed 26358773 (cited by OMIM).